The following is an entry in ClinVar:

ClinVar aggregate classification (germline): Pathogenic. Review status: criteria provided, multiple submitters, no conflicts (2 of 4 stars). 2 submissions from 2 submitters: Pathogenic (2). Last evaluated 2023-06-05.

Conditions:
Hereditary cancer-predisposing syndrome. Also called: Neoplastic Syndromes, Hereditary; Tumor predisposition; Hereditary Cancer Syndrome; Hereditary neoplastic syndrome. Identifiers: Orphanet 140162, MedGen C0027672, MeSH D009386, MONDO:0015356.
Familial cancer of breast. Also called: BREAST CANCER, FAMILIAL; Hereditary breast cancer; hereditary breast carcinoma. Identifiers: Orphanet 227535, MedGen C0346153, MONDO:0016419, OMIM 114480. Disease mechanism: loss of function.

Submissions (2):

Myriad Genetics, Inc.
Classification: Pathogenic for Familial cancer of breast. Last evaluated: 2023-06-05. Review status: criteria provided, single submitter. Criteria: Myriad Autosomal Dominant, Autosomal Recessive and X-Linked Classification Criteria (2023). Collection method: clinical testing. Allele origin: unknown.
Comment: This variant is considered pathogenic. This variant creates a frameshift predicted to result in premature protein truncation.

Ambry Genetics
Classification: Pathogenic for Hereditary cancer-predisposing syndrome. Last evaluated: 2018-01-04. Review status: criteria provided, single submitter. Criteria: Ambry Variant Classification Scheme 2023. Collection method: clinical testing. Allele origin: germline.
Comment: The c.1662_1663delGA pathogenic mutation, located in coding exon 11 of the BRIP1 gene, results from a deletion of two nucleotides at nucleotide positions 1662 to 1663, causing a translational frameshift with a predicted alternate stop codon (p.Q554Hfs*9). This alteration is expected to result in loss of function by premature protein truncation or nonsense-mediated mRNA decay. As such, this alteration is interpreted as a disease-causing mutation.

NM_032043.3(BRIP1):c.1662_1663del (p.Gln554fs)

Gene: BRIP1 (BRCA1 interacting DNA helicase 1; minus strand). Cytogenetic location: 17q23.2.
Variant type: Deletion.
Coding change: c.1662_1663del on transcript NM_032043.3 (MANE Select); coding-DNA positions 1662 to 1663, 2 bases deleted (GA; older notation c.1662_1663delGA).
Protein change: p.Gln554fs; shifts the reading frame from glutamine 554.
Molecular consequence: frameshift variant.
Genome position (GRCh38, 1-based): chr17:61,780,971-61,780,972, TC deleted on the plus strand (GA on the coding strand, the reverse complement: BRIP1 is on the minus strand); deleting any 2 consecutive bases within chr17:61,780,971-61,780,973 gives the same sequence; the c. name uses the placement nearest the transcript's 3' end. VCF-style (leftmost placement, unchanged base first): chr17-61780970-GTC-G. GRCh37 (hg19) VCF-style: chr17-59858331-GTC-G.
Other names: short protein forms Q554fs.
Identifiers: ClinVar variation 819778 (VCV000819778.6), dbSNP rs1603334758, ClinGen allele CA915950706.
Genomic context (GRCh38, chr17:61,780,970, plus strand): 5'-TTTGGTAGAACCAACAACCCATTTTTGTCTGAAATATCAATCTGATTTGTCCAGGAGTAA[GTC>G]TGTTGAATCGCAATTTTATAATCATCTGCAAATCTAGATGCAAAGAAAGTGCTAATTAAG-3'